The following is an entry in ClinVar:

NM_017777.4(MKS1):c.1163C>A (p.Ser388Tyr)

Gene: MKS1 (MKS transition zone complex subunit 1; minus strand). Cytogenetic location: 17q22.
Variant type: single nucleotide variant.
Coding change: c.1163C>A on transcript NM_017777.4 (MANE Select); coding-DNA position 1163, C replaced by A.
Protein change: p.Ser388Tyr; replaces serine 388 with tyrosine.
Molecular consequence: missense variant.
Genome position (GRCh38, 1-based): chr17:58,208,107, G>T on the plus strand (C>A on the coding strand, the complement: MKS1 is on the minus strand). VCF-style: chr17-58208107-G-T. GRCh37 (hg19) VCF-style: chr17-56285468-G-T.
Other names: c.554C>A, p.Ser185Tyr (NM_001321268.2); c.1163C>A, p.Ser388Tyr (NM_001321269.2, NM_001330397.2, NM_001411113.1); short protein forms S185Y, S388Y.
Identifiers: ClinVar variation 2502164 (VCV002502164.4), dbSNP rs1401192823, ClinGen allele CA400325615.

ClinVar aggregate classification (germline): Uncertain significance. Review status: criteria provided, multiple submitters, no conflicts (2 of 4 stars). 3 submissions from 3 submitters: Uncertain significance (3). Last evaluated 2025-04-22.

Conditions:
Inborn genetic diseases. Identifiers: MedGen C0950123, MeSH D030342.
MKS1-related disorder. Also called: MKS1-related disorders; MKS1-related condition. Identifiers: MedGen CN239382.
Joubert syndrome 28 (JBTS28). Identifiers: MedGen C4310705, MONDO:0014928, OMIM 617121.
Bardet-Biedl syndrome 13 (BBS13). Identifiers: Orphanet 110, MedGen C2673873, MONDO:0014441, OMIM 615990.
Meckel syndrome, type 1 (MKS1). Also called: MECKEL-GRUBER SYNDROME, TYPE 1. Identifiers: Orphanet 564, MedGen C3714506, MONDO:0009571, OMIM 249000.

Allele frequency attached by ClinVar (database versions not stated): gnomAD 0.00001.
gnomAD v4.1: 25 of 1,613,374 alleles (0.0015%); highest among the groups gnomAD compares: Middle Eastern, 0.017%; no homozygotes.

Submissions (3):

PreventionGenetics, part of Exact Sciences
Classification: Uncertain significance for MKS1-related condition. Last evaluated: 2025-04-22. Review status: criteria provided, single submitter. Criteria: ACMG Guidelines, 2015. Collection method: clinical testing. Allele origin: germline.
Comment: The MKS1 c.1163C>A variant is predicted to result in the amino acid substitution p.Ser388Tyr. To our knowledge, this variant has not been reported in the literature or in a large population database (gnomAD), indicating this variant is rare. At this time, the clinical significance of this variant is uncertain due to the absence of conclusive functional and genetic evidence.

Ambry Genetics
Classification: Uncertain significance for Inborn genetic diseases. Last evaluated: 2025-01-08. Review status: criteria provided, single submitter. Criteria: Ambry Variant Classification Scheme 2023. Collection method: clinical testing. Allele origin: germline.

New York Genome Center
Classification: Uncertain significance for Bardet-Biedl syndrome 13; Joubert syndrome 28; Meckel syndrome, type 1. Last evaluated: 2022-05-06. Review status: criteria provided, single submitter. Criteria: NYGC Assertion Criteria 2020. Collection method: clinical testing. Allele origin: germline. Observed: 1 variant allele.